The following is an entry in ClinVar:

ClinVar aggregate classification (germline): Pathogenic (1 of 4 stars; one submission).

Conditions:
Alzheimer disease 3 (AD3). Also called: ALZHEIMER DISEASE, FAMILIAL, 3. Identifiers: Orphanet 1020, MedGen C1843013, MONDO:0011913, OMIM 607822.
Acne inversa, familial, 3 (ACNINV3). Identifiers: MedGen C3151038, MONDO:0013398, OMIM 613737.
Pick disease. Also called: DEMENTIA WITH LOBAR ATROPHY AND NEURONAL CYTOPLASMIC INCLUSIONS; LOBAR ATROPHY OF BRAIN; PICK DISEASE OF BRAIN; Pick Disease of the Brain; Pick's disease. Identifiers: Orphanet 282, MedGen C0236642, MONDO:0008243, OMIM 172700.
Frontotemporal dementia (FTD1). Also called: WILHELMSEN-LYNCH DISEASE; FRONTOTEMPORAL DEMENTIA WITH PARKINSONISM; FRONTOTEMPORAL LOBE DEMENTIA; FRONTOTEMPORAL LOBAR DEGENERATION WITH TAU INCLUSIONS; FTLD WITH TAU INCLUSIONS; MULTIPLE SYSTEM TAUOPATHY WITH PRESENILE DEMENTIA. Identifiers: Orphanet 282, MedGen C0338451, MONDO:0017276, OMIM 600274, HP:0002145.

Submission:

Labcorp Genetics (formerly Invitae), Labcorp
Classification: Pathogenic for Alzheimer disease 3; Pick disease; Acne inversa, familial, 3; Frontotemporal dementia. Last evaluated: 2022-04-09. Review status: criteria provided, single submitter. Criteria: Invitae Variant Classification Sherloc (09022015). Collection method: clinical testing. Allele origin: germline.
Comment: For these reasons, this variant has been classified as Pathogenic. This variant disrupts the Tyr159 amino acid residue in PSEN1. Other variant(s) that disrupt this residue have been observed in individuals with PSEN1-related conditions (PMID: 32103039), which suggests that this may be a clinically significant amino acid residue. Advanced modeling of protein sequence and biophysical properties (such as structural, functional, and spatial information, amino acid conservation, physicochemical variation, residue mobility, and thermodynamic stability) performed at Invitae indicates that this missense variant is expected to disrupt PSEN1 protein function. This missense change has been observed in individuals with early-onset Alzheimer disease (PMID: 23123781; Invitae). It has also been observed to segregate with disease in related individuals. This variant is not present in population databases (gnomAD no frequency). This sequence change replaces tyrosine, which is neutral and polar, with phenylalanine, which is neutral and non-polar, at codon 159 of the PSEN1 protein (p.Tyr159Phe).

Literature cited by the submitters: PubMed 32103039; PubMed 23123781.

NM_000021.4(PSEN1):c.476A>T (p.Tyr159Phe)

Gene: PSEN1 (presenilin 1; plus strand). Cytogenetic location: 14q24.2.
Variant type: single nucleotide variant.
Coding change: c.476A>T on transcript NM_000021.4 (MANE Select); coding-DNA position 476, A replaced by T.
Protein change: p.Tyr159Phe; replaces tyrosine 159 with phenylalanine.
Molecular consequence: missense variant.
Genome position (GRCh38, 1-based): chr14:73,173,703, A>T. VCF-style: chr14-73173703-A-T. GRCh37 (hg19) VCF-style: chr14-73640411-A-T.
Other names: c.464A>T, p.Tyr155Phe (NM_007318.3); short protein forms Y155F, Y159F.
Identifiers: ClinVar variation 2137604 (VCV002137604.4), dbSNP rs778630379, ClinGen allele CA390305138.
Genomic context (GRCh38, chr14:73,173,703, plus strand): 5'-TGATCAGTGTCATTGTTGTCATGACTATCCTCCTGGTGGTTCTGTATAAATACAGGTGCT[A>T]TAAGGTGAGCATGAGACACAGATCTTTGCTTTCCACCCTGTTCTTCTTATGGTTGGGTAT-3'
Protein context (NP_000012.1, residues 149-169): LLVVLYKYRC[Tyr159Phe]KVIHAWLIIS